The following is an entry in ClinVar:

NM_001015877.2(PHF6):c.883A>G (p.Lys295Glu)

Gene: PHF6 (PHD finger protein 6; plus strand). Cytogenetic location: Xq26.2.
Variant type: single nucleotide variant.
Coding change: c.883A>G on transcript NM_001015877.2 (MANE Select); coding-DNA position 883, A replaced by G.
Protein change: p.Lys295Glu; replaces lysine 295 with glutamic acid.
Molecular consequence: missense variant.
Genome position (GRCh38, 1-based): chrX:134,417,217, A>G. VCF-style: chrX-134417217-A-G. GRCh37 (hg19) VCF-style: chrX-133551247-A-G.
Other names: c.883A>G, p.Lys295Glu (NM_032458.3); short protein forms K295E.
Identifiers: ClinVar variation 3365024 (VCV003365024.1).

ClinVar aggregate classification (germline): Uncertain significance (1 of 4 stars; one submission).

Submission:

GeneDx
Classification: Uncertain significance. Last evaluated: 2023-11-28. Review status: criteria provided, single submitter. Criteria: GeneDx Variant Classification Process June 2021. Collection method: clinical testing. Allele origin: germline. Affected: yes.
Comment: Not observed at significant frequency in large population cohorts (gnomAD); In silico analysis supports that this missense variant does not alter protein structure/function; Has not been previously published as pathogenic or benign to our knowledge